The following is an entry in ClinVar:

ClinVar aggregate classification (germline): Uncertain significance (1 of 4 stars; one submission).

Submission:

Labcorp Genetics (formerly Invitae), Labcorp
Classification: Uncertain significance. Last evaluated: 2022-03-19. Review status: criteria provided, single submitter. Criteria: Invitae Variant Classification Sherloc (09022015). Collection method: clinical testing. Allele origin: germline.
Comment: Variants that disrupt the consensus splice site are a relatively common cause of aberrant splicing (PMID: 17576681, 9536098). Algorithms developed to predict the effect of sequence changes on RNA splicing suggest that this variant may disrupt the consensus splice site. This sequence change falls in intron 2 of the PLAA gene. It does not directly change the encoded amino acid sequence of the PLAA protein. It affects a nucleotide within the consensus splice site. This variant is not present in population databases (gnomAD no frequency). This variant has not been reported in the literature in individuals affected with PLAA-related conditions. In summary, the available evidence is currently insufficient to determine the role of this variant in disease. Therefore, it has been classified as a Variant of Uncertain Significance.

Literature cited by the submitters: PubMed 17576681; PubMed 9536098.

NM_001031689.3(PLAA):c.343+5G>A

Gene: PLAA (phospholipase A2 activating protein; minus strand). Cytogenetic location: 9p21.2.
Variant type: single nucleotide variant.
Coding change: c.343+5G>A on transcript NM_001031689.3 (MANE Select); 5 bases into the intron after coding-DNA position 343, G replaced by A.
Molecular consequence: intron variant.
Genome position (GRCh38, 1-based): chr9:26,935,008, C>T on the plus strand (G>A on the coding strand, the complement: PLAA is on the minus strand). VCF-style: chr9-26935008-C-T. GRCh37 (hg19) VCF-style: chr9-26935006-C-T.
Other names: c.343+5G>A (NM_001321546.2).
Identifiers: ClinVar variation 2114745 (VCV002114745.4), dbSNP rs2489226088, ClinGen allele CA2580080306.